The following is an entry in ClinVar:

NM_005996.4(TBX3):c.1750C>T (p.Pro584Ser)

Gene: TBX3 (T-box transcription factor 3; minus strand). Cytogenetic location: 12q24.21.
Variant type: single nucleotide variant.
Coding change: c.1750C>T on transcript NM_005996.4 (MANE Select); coding-DNA position 1750, C replaced by T.
Protein change: p.Pro584Ser; replaces proline 584 with serine.
Molecular consequence: missense variant.
Genome position (GRCh38, 1-based): chr12:114,672,263, G>A on the plus strand (C>T on the coding strand, the complement: TBX3 is on the minus strand). VCF-style: chr12-114672263-G-A. GRCh37 (hg19) VCF-style: chr12-115110068-G-A.
Other names: c.1810C>T, p.Pro604Ser (NM_016569.4); c.1750C>T (NM_005996.3); short protein forms P584S, P604S.
Identifiers: ClinVar variation 2634360 (VCV002634360.3), dbSNP rs971835561, ClinGen allele CA244141848.
Genomic context (GRCh38, chr12:114,672,263, plus strand): 5'-GCACCGAGCTGGAGGCTGCCGCAGAGGAGGCGGCCGCCGCTGCGGCCATGTACGTGTAGG[G>A]GTAAGGGAACAGGCTTCCGAAAGGGGACATGGCCAGGCCCTGGGGTGAGAAAAGAGACAC-3'
Protein context (NP_005987.3, residues 574-594): MSPFGSLFPY[Pro584Ser]YTYMAAAAAA

ClinVar aggregate classification (germline): Uncertain significance. Review status: criteria provided, single submitter (1 of 4 stars). 2 submissions from 2 submitters: Uncertain significance (1). 1 of the submissions does not count toward it. Last evaluated 2025-01-01.

Conditions:
TBX3-related disorder. Also called: TBX3-related condition.
Inborn genetic diseases. Identifiers: MedGen C0950123, MeSH D030342.

Allele frequency attached by ClinVar (database versions not stated): gnomAD 0.00001; TOPMed 0.00004.

Submissions (2):

Ambry Genetics
Classification: Uncertain significance for Inborn genetic diseases. Last evaluated: 2025-01-01. Review status: criteria provided, single submitter. Criteria: Ambry Variant Classification Scheme 2023. Collection method: clinical testing. Allele origin: germline.

PreventionGenetics, part of Exact Sciences
Classification: Uncertain significance for TBX3-related condition. Last evaluated: 2024-06-28. Review status: no assertion criteria provided. Collection method: clinical testing. Allele origin: germline. Not counted in ClinVar's aggregate classification.
Comment: The TBX3 c.1810C>T variant is predicted to result in the amino acid substitution p.Pro604Ser. To our knowledge, this variant has not been reported in the literature. This variant is reported in 0.011% of alleles in individuals of Latino descent in gnomAD. At this time, the clinical significance of this variant is uncertain due to the absence of conclusive functional and genetic evidence.